The following is an entry in ClinVar:

ClinVar aggregate classification (germline): Uncertain significance. Review status: criteria provided, multiple submitters, no conflicts (2 of 4 stars). 4 submissions from 4 submitters: Uncertain significance (4). Last evaluated 2025-11-27.

Conditions:
Inborn genetic diseases. Identifiers: MedGen C0950123, MeSH D030342.
Multiple congenital anomalies-hypotonia-seizures syndrome 1 (MCAHS1). Also called: GLYCOSYLPHOSPHATIDYLINOSITOL BIOSYNTHESIS DEFECT 3; PIGN-CDG; Congenital disorder of glycosylation due to PIGN deficiency. Identifiers: Orphanet 280633, MedGen C3279775, MONDO:0013563, OMIM 614080.

Allele frequency attached by ClinVar (database versions not stated): TOPMed 0.00004; gnomAD exomes 0.00005 and 0.00009; ExAC 0.00011; gnomAD 0.00003.
gnomAD v4.1: 83 of 1,613,928 alleles (0.0051%); highest among the groups gnomAD compares: Middle Eastern, 0.082%; no homozygotes.

Submissions (4):

Labcorp Genetics (formerly Invitae), Labcorp
Classification: Uncertain significance for Multiple congenital anomalies-hypotonia-seizures syndrome 1. Last evaluated: 2025-11-27. Review status: criteria provided, single submitter. Criteria: Invitae Variant Classification Sherloc (09022015). Collection method: clinical testing. Allele origin: germline.
Comment: This sequence change replaces aspartic acid, which is acidic and polar, with glycine, which is neutral and non-polar, at codon 57 of the PIGN protein (p.Asp57Gly). This variant is present in population databases (rs745318716, gnomAD 0.05%). This variant has not been reported in the literature in individuals affected with PIGN-related conditions. ClinVar contains an entry for this variant (Variation ID: 580016). Invitae Evidence Modeling of protein sequence and biophysical properties (such as structural, functional, and spatial information, amino acid conservation, physicochemical variation, residue mobility, and thermodynamic stability) indicates that this missense variant is expected to disrupt PIGN protein function with a positive predictive value of 80%. In summary, the available evidence is currently insufficient to determine the role of this variant in disease. Therefore, it has been classified as a Variant of Uncertain Significance.

Ambry Genetics
Classification: Uncertain significance for Inborn genetic diseases. Last evaluated: 2023-08-19. Review status: criteria provided, single submitter. Criteria: Ambry Variant Classification Scheme 2023. Collection method: clinical testing. Allele origin: germline.

Revvity Omics, Revvity
Classification: Uncertain significance for Multiple congenital anomalies-hypotonia-seizures syndrome 1. Last evaluated: 2021-03-02. Review status: criteria provided, single submitter. Criteria: ACMG Guidelines, 2015. Collection method: clinical testing. Allele origin: germline.

Institute of Human Genetics, University of Leipzig Medical Center
Classification: Uncertain significance for Multiple congenital anomalies-hypotonia-seizures syndrome 1. Last evaluated: 2017-12-05. Review status: criteria provided, single submitter. Criteria: ACMG Guidelines, 2015. Collection method: clinical testing. Allele origin: germline. Affected: yes. Observed: 1 variant allele.
Comment: This variant was identified as homozygous

NM_176787.5(PIGN):c.170A>G (p.Asp57Gly)

Gene: PIGN (phosphatidylinositol glycan anchor biosynthesis class N; minus strand). Cytogenetic location: 18q21.33.
Variant type: single nucleotide variant.
Coding change: c.170A>G on transcript NM_176787.5 (MANE Select); coding-DNA position 170, A replaced by G.
Protein change: p.Asp57Gly; replaces aspartic acid 57 with glycine.
Molecular consequence: missense variant.
Genome position (GRCh38, 1-based): chr18:62,161,184, T>C on the plus strand (A>G on the coding strand, the complement: PIGN is on the minus strand). VCF-style: chr18-62161184-T-C. GRCh37 (hg19) VCF-style: chr18-59828417-T-C.
Other names: c.170A>G, p.Asp57Gly (NM_012327.6); short protein forms D57G.
Identifiers: ClinVar variation 580016 (VCV000580016.13), dbSNP rs745318716, ClinGen allele CA8982650.